The following is an entry in ClinVar:

NM_138295.5(PKD1L1):c.310G>A (p.Ala104Thr)

Gene: PKD1L1 (polycystin 1 like 1, transient receptor potential channel interacting; minus strand). Cytogenetic location: 7p12.3.
Variant type: single nucleotide variant.
Coding change: c.310G>A on transcript NM_138295.5 (MANE Select); coding-DNA position 310, G replaced by A.
Protein change: p.Ala104Thr; replaces alanine 104 with threonine.
Molecular consequence: missense variant.
Genome position (GRCh38, 1-based): chr7:47,936,934, C>T on the plus strand (G>A on the coding strand, the complement: PKD1L1 is on the minus strand). VCF-style: chr7-47936934-C-T. GRCh37 (hg19) VCF-style: chr7-47976531-C-T.
Other names: c.310G>A (NM_138295.3); short protein forms A104T.
Identifiers: ClinVar variation 2431346 (VCV002431346.11), dbSNP rs544795414, ClinGen allele CA4254404.
Genomic context (GRCh38, chr7:47,936,934, plus strand): 5'-GCGCCTGTGTTTTTTCATTAACAACAGCCTGTGTTTTTTCATTAACAACACTTAACGCTG[C>T]TTCACTAGTTGTTTTCCAAATGTTCTGTAAGAAAAAATAATAAAATAATGTGAGAGAGCT-3'
Protein context (NP_612152.1, residues 94-114): QKNIWKTTSE[Ala104Thr]ALSVVNEKTQ

ClinVar aggregate classification (germline): Conflicting classifications of pathogenicity. Review status: criteria provided, conflicting classifications (1 of 4 stars). 4 submissions from 4 submitters: Uncertain significance (1); Likely benign (3). Last evaluated 2025-11-01.

Conditions:
Heterotaxy, visceral, 8, autosomal (HTX8). Identifiers: MedGen C4310668, MONDO:0014967, OMIM 617205.
PKD1L1-related disorder. Also called: PKD1L1-related condition.

Allele frequency attached by ClinVar (database versions not stated): TOPMed 0.00001; gnomAD 0.00011; 1000 Genomes Project 30x 0.00031; ExAC 0.00039; 1000 Genomes Project 0.00040.
gnomAD v4.1: 246 of 1,611,302 alleles (0.015%); highest among the groups gnomAD compares: South Asian, 0.25%; no homozygotes.

Submissions (4):

CeGaT Center for Human Genetics Tuebingen
Classification: Uncertain significance. Last evaluated: 2025-11-01. Review status: criteria provided, single submitter. Criteria: CeGaT Center For Human Genetics Tuebingen Variant Classification Criteria Version 2. Collection method: clinical testing. Allele origin: germline. Affected: yes. Observed: 1 variant allele.
Comment: PKD1L1: PM2, BP4

PreventionGenetics, part of Exact Sciences
Classification: Likely benign for PKD1L1-related condition. Last evaluated: 2025-02-11. Review status: criteria provided, single submitter. Criteria: ACMG Guidelines, 2015. Collection method: clinical testing. Allele origin: germline.
Comment: This variant is classified as likely benign based on ACMG/AMP sequence variant interpretation guidelines (Richards et al. 2015 PMID: 25741868, with internal and published modifications).

Labcorp Genetics (formerly Invitae), Labcorp
Classification: Likely benign. Last evaluated: 2024-12-16. Review status: criteria provided, single submitter. Criteria: Invitae Variant Classification Sherloc (09022015). Collection method: clinical testing. Allele origin: germline.

Department of Paediatric Medicine, Post Graduation Institute of Medical Education and Research
Classification: Likely benign for Heterotaxy, visceral, 8, autosomal. Last evaluated: 2023-03-02. Review status: criteria provided, single submitter. Criteria: ACMG Guidelines, 2015. Collection method: clinical testing. Allele origin: inherited. Inheritance: Autosomal recessive inheritance. Affected: no. Observed: 1 variant allele, 1 heterozygote.
Comment: BP4, BP1